The following is an entry in ClinVar:

NM_001267550.2(TTN):c.73504G>T (p.Glu24502Ter)

Genes: TTN (titin; minus strand), TTN-AS1 (TTN antisense RNA 1; plus strand). Cytogenetic location: 2q31.2.
Variant type: single nucleotide variant.
Coding change: c.73504G>T on transcript NM_001267550.2 (MANE Select); coding-DNA position 73504, G replaced by T.
Protein change: p.Glu24502Ter; replaces glutamic acid 24502 with a stop codon.
Molecular consequence: nonsense.
Genome position (GRCh38, 1-based): chr2:178,572,628, C>A on the plus strand (G>T on the coding strand, the complement: TTN is on the minus strand). VCF-style: chr2-178572628-C-A. GRCh37 (hg19) VCF-style: chr2-179437355-C-A.
Other names: c.68581G>T, p.Glu22861Ter (NM_001256850.1); c.46309G>T, p.Glu15437Ter (NM_003319.4); c.65800G>T, p.Glu21934Ter (NM_133378.4); c.46684G>T, p.Glu15562Ter (NM_133432.3); c.46885G>T, p.Glu15629Ter (NM_133437.4); short protein forms E22861*, E24502*, E15562*, E15629*, E21934*, E15437*.
Identifiers: ClinVar variation 429709 (VCV000429709.2), dbSNP rs1131691543, ClinGen allele CA349638828.

ClinVar aggregate classification (germline): Pathogenic (1 of 4 stars; one submission).

Submission:

GeneDx
Classification: Pathogenic. Last evaluated: 2015-09-16. Review status: criteria provided, single submitter. Criteria: GeneDx Variant Classification (06012015). Collection method: clinical testing. Allele origin: germline. Affected: yes.
Comment: The E22861X pathogenic variant in the TTN gene has not been reported previously as a pathogenic variant or as a benign variant, to our knowledge. E22861X is predicted to cause loss of normal protein function either due to production of an abnormal, prematurely truncated protein, or by absence of protein product due to nonsense mediated mRNA decay. Other truncating TTN variants have been reported in approximately 3% of control alleles (Herman et al., 2012). However, E22861X is located in the A-band region of titin, where the majority of truncating pathogenic variants associated with DCM have been reported (Herman et al., 2012). Furthermore, E22861X was not observed in approximately 6,500 individuals of European and African American ancestry in the NHLBI Exome Sequencing Project, indicating it is not a common benign variant in these populations. In summary, E22861X in the TTN gene is interpreted as a pathogenic variant.